The following is an entry in ClinVar:

ClinVar aggregate classification (germline): Uncertain significance (1 of 4 stars; one submission).

Allele frequency attached by ClinVar (database versions not stated): gnomAD exomes below 0.00001; TOPMed below 0.00001.
gnomAD v4.1: 2 of 1,610,236 alleles (0.00012%); highest among the groups gnomAD compares: Non-Finnish European, 0.00017%; no homozygotes.

Submission:

Labcorp Genetics (formerly Invitae), Labcorp
Classification: Uncertain significance. Last evaluated: 2021-09-29. Review status: criteria provided, single submitter. Criteria: Invitae Variant Classification Sherloc (09022015). Collection method: clinical testing. Allele origin: germline.
Comment: In summary, the available evidence is currently insufficient to determine the role of this variant in disease. Therefore, it has been classified as a Variant of Uncertain Significance. Algorithms developed to predict the effect of missense changes on protein structure and function (SIFT, PolyPhen-2, Align-GVGD) all suggest that this variant is likely to be disruptive. This variant has not been reported in the literature in individuals affected with RUSC2-related conditions. This variant is not present in population databases (ExAC no frequency). This sequence change replaces glycine with arginine at codon 1233 of the RUSC2 protein (p.Gly1233Arg). The glycine residue is highly conserved and there is a moderate physicochemical difference between glycine and arginine.

NM_014806.5(RUSC2):c.3697G>C (p.Gly1233Arg)

Gene: RUSC2 (RUN and SH3 domain containing 2; plus strand). Cytogenetic location: 9p13.3.
Variant type: single nucleotide variant.
Coding change: c.3697G>C on transcript NM_014806.5 (MANE Select); coding-DNA position 3697, G replaced by C.
Protein change: p.Gly1233Arg; replaces glycine 1233 with arginine.
Molecular consequence: missense variant. On other transcripts: non-coding transcript variant (1).
Genome position (GRCh38, 1-based): chr9:35,560,337, G>C. VCF-style: chr9-35560337-G-C. GRCh37 (hg19) VCF-style: chr9-35560334-G-C.
Other names: c.3697G>C, p.Gly1233Arg (NM_001135999.2); c.1063G>C, p.Gly355Arg (NM_001330740.2); short protein forms G355R, G1233R.
Identifiers: ClinVar variation 1383713 (VCV001383713.6), dbSNP rs1468341721, ClinGen allele CA373354331.